The following is an entry in ClinVar:

ClinVar aggregate classification (germline): Conflicting classifications of pathogenicity. Review status: criteria provided, conflicting classifications (1 of 4 stars). 2 submissions from 2 submitters: Uncertain significance (1); Likely benign (1). Last evaluated 2025-09-15.

Conditions:
Inborn genetic diseases. Identifiers: MedGen C0950123, MeSH D030342.

Allele frequency attached by ClinVar (database versions not stated): gnomAD exomes 0.00008; ESP Exome Variant Server 0.00008; gnomAD 0.00005; TOPMed 0.00003; ExAC 0.00004.
gnomAD v4.1: 118 of 1,612,334 alleles (0.0073%); highest among the groups gnomAD compares: Non-Finnish European, 0.0099%; 1 homozygote.

Submissions (2):

Labcorp Genetics (formerly Invitae), Labcorp
Classification: Uncertain significance. Last evaluated: 2025-09-15. Review status: criteria provided, single submitter. Criteria: Invitae Variant Classification Sherloc (09022015). Collection method: clinical testing. Allele origin: germline.
Comment: This sequence change replaces glutamic acid, which is acidic and polar, with lysine, which is basic and polar, at codon 159 of the BPTF protein (p.Glu159Lys). This variant is present in population databases (rs374198932, gnomAD 0.009%). This variant has not been reported in the literature in individuals affected with BPTF-related conditions. ClinVar contains an entry for this variant (Variation ID: 3134897). Experimental studies and prediction algorithms are not available or were not evaluated, and the functional significance of this variant is currently unknown. In summary, the available evidence is currently insufficient to determine the role of this variant in disease. Therefore, it has been classified as a Variant of Uncertain Significance.

Ambry Genetics
Classification: Likely benign for Inborn genetic diseases. Last evaluated: 2023-12-28. Review status: criteria provided, single submitter. Criteria: Ambry Variant Classification Scheme 2023. Collection method: clinical testing. Allele origin: germline.

NM_182641.4(BPTF):c.475G>A (p.Glu159Lys)

Genes: BPTF (bromodomain PHD finger transcription factor; plus strand), LOC130061496 (ATAC-STARR-seq lymphoblastoid active region 12632; plus strand). Cytogenetic location: 17q24.2.
Variant type: single nucleotide variant.
Coding change: c.475G>A on transcript NM_182641.4 (MANE Select); coding-DNA position 475, G replaced by A.
Protein change: p.Glu159Lys; replaces glutamic acid 159 with lysine.
Molecular consequence: missense variant.
Genome position (GRCh38, 1-based): chr17:67,826,199, G>A. VCF-style: chr17-67826199-G-A. GRCh37 (hg19) VCF-style: chr17-65822315-G-A.
Other names: c.475G>A, p.Glu159Lys (NM_004459.7); short protein forms E159K.
Identifiers: ClinVar variation 3134897 (VCV003134897.2), dbSNP rs374198932, ClinGen allele CA8724988.